The following is an entry in ClinVar:

ClinVar aggregate classification (germline): Conflicting classifications of pathogenicity. Review status: criteria provided, conflicting classifications (1 of 4 stars). 6 submissions from 6 submitters: Uncertain significance (5); Likely benign (1). Last evaluated 2025-04-26.

Conditions:
Rabson-Mendenhall syndrome. Also called: MENDENHALL SYNDROME; Pineal Hyperplasia, Insulin-Resistant Diabetes Mellitus, and Somatic Abnormalities; Pineal hyperplasia AND diabetes mellitus syndrome. Identifiers: Orphanet 769, MedGen C0271695, MONDO:0009874, OMIM 262190.
Insulin-resistant diabetes mellitus AND acanthosis nigricans. Also called: INSULIN RECEPTOR, DEFECT IN, WITH INSULIN-RESISTANT DIABETES MELLITUS AND ACANTHOSIS NIGRICANS; IRAN, TYPE A; type A insulin resistance; DIABETES MELLITUS, INSULIN-RESISTANT, WITH ACANTHOSIS NIGRICANS, TYPE A; Insulin-resistance syndrome type A. Identifiers: Orphanet 2297, MedGen C0342278, MONDO:0012520, OMIM 610549.
Leprechaunism syndrome. Also called: LEPRECHAUNISM; Donohue syndrome. Identifiers: Orphanet 508, MedGen C0265344, MONDO:0009517, OMIM 246200.
Hyperinsulinism due to INSR deficiency. Also called: Hyperinsulinism due to glutamodehydrogenase deficiency. Identifiers: Orphanet 263458, MedGen C1864952, MONDO:0012381, OMIM 609968.
INSR-related disorder.

Allele frequency attached by ClinVar (database versions not stated): ExAC 0.00015; gnomAD exomes 0.00017; gnomAD 0.00020 and 0.00021; TOPMed 0.00025; ESP Exome Variant Server 0.00031.
gnomAD v4.1: 477 of 1,614,050 alleles (0.03%); highest among the groups gnomAD compares: Non-Finnish European, 0.038%; no homozygotes.

Submissions (6):

GeneDx
Classification: Uncertain significance. Last evaluated: 2025-04-26. Review status: criteria provided, single submitter. Criteria: GeneDx Variant Classification Process June 2021. Collection method: clinical testing. Allele origin: germline. Affected: yes.
Comment: In silico analysis supports that this missense variant has a deleterious effect on protein structure/function; In silico analysis suggests this variant may impact gene splicing. In the absence of RNA/functional studies, the actual effect of this sequence change is unknown.; This variant is associated with the following publications: (PMID: 30663027)

Labcorp Genetics (formerly Invitae), Labcorp
Classification: Likely benign. Last evaluated: 2025-03-10. Review status: criteria provided, single submitter. Criteria: Invitae Variant Classification Sherloc (09022015). Collection method: clinical testing. Allele origin: germline.

PreventionGenetics, part of Exact Sciences
Classification: Uncertain significance for INSR-related condition. Last evaluated: 2023-06-27. Review status: criteria provided, single submitter. Criteria: ACMG Guidelines, 2015. Collection method: clinical testing. Allele origin: germline.
Comment: The INSR c.2665C>T variant is predicted to result in the amino acid substitution p.Arg889Trp. This variant was reported as a variant of uncertain significance in an individual with gestational diabetes (Zubkova et al. 2019. PubMed ID: 30663027). This variant is reported in 0.034% of alleles in individuals of European (Non-Finnish) descent in gnomAD. At this time, the clinical significance of this variant is uncertain due to the absence of conclusive functional and genetic evidence.

Fulgent Genetics
Classification: Uncertain significance for Leprechaunism syndrome; Rabson-Mendenhall syndrome; Hyperinsulinism due to INSR deficiency; Insulin-resistant diabetes mellitus AND acanthosis nigricans. Last evaluated: 2018-10-31. Review status: criteria provided, single submitter. Criteria: ACMG Guidelines, 2015. Collection method: clinical testing. Allele origin: unknown.

Eurofins Ntd Llc (ga)
Classification: Uncertain significance. Last evaluated: 2015-08-07. Review status: criteria provided, single submitter. Criteria: EGL Classification Definitions 2015. Collection method: clinical testing. Allele origin: germline. Observed: 1 variant allele, 1 heterozygote.

Breakthrough Genomics
Classification: Uncertain significance. Review status: criteria provided, single submitter. Criteria: ACMG Guidelines, 2015. Collection method: not provided. Allele origin: germline. Inheritance: Autosomal recessive inheritance. Affected: yes.

NM_000208.4(INSR):c.2665C>T (p.Arg889Trp)

Gene: INSR (insulin receptor; minus strand). Cytogenetic location: 19p13.2.
Variant type: single nucleotide variant.
Coding change: c.2665C>T on transcript NM_000208.4 (MANE Select); coding-DNA position 2665, C replaced by T.
Protein change: p.Arg889Trp; replaces arginine 889 with tryptophan.
Molecular consequence: missense variant.
Genome position (GRCh38, 1-based): chr19:7,141,694, G>A on the plus strand (C>T on the coding strand, the complement: INSR is on the minus strand). VCF-style: chr19-7141694-G-A. GRCh37 (hg19) VCF-style: chr19-7141705-G-A.
Other names: c.2665C>T (NM_000208.3); c.2629C>T, p.Arg877Trp (NM_001079817.3); short protein forms R889W, R877W.
Identifiers: ClinVar variation 282255 (VCV000282255.15), dbSNP rs76077021, ClinGen allele CA9135496.